The following is an entry in ClinVar:

NM_002335.4(LRP5):c.1637C>A (p.Pro546Gln)

Gene: LRP5 (LDL receptor related protein 5; plus strand). Cytogenetic location: 11q13.2.
Variant type: single nucleotide variant.
Coding change: c.1637C>A on transcript NM_002335.4 (MANE Select); coding-DNA position 1637, C replaced by A.
Protein change: p.Pro546Gln; replaces proline 546 with glutamine.
Molecular consequence: missense variant. On other transcripts: 5 prime UTR variant (1).
Genome position (GRCh38, 1-based): chr11:68,403,535, C>A. VCF-style: chr11-68403535-C-A. GRCh37 (hg19) VCF-style: chr11-68171003-C-A.
Other names: c.-301C>A (NM_001291902.2); short protein forms P546Q.
Identifiers: ClinVar variation 1408780 (VCV001408780.7), dbSNP rs1404203617, ClinGen allele CA381614192.

ClinVar aggregate classification (germline): Uncertain significance. Review status: criteria provided, multiple submitters, no conflicts (2 of 4 stars). 2 submissions from 2 submitters: Uncertain significance (2). Last evaluated 2024-04-05.

Conditions:
Exudative vitreoretinopathy 4 (EVR4). Identifiers: Orphanet 891, MedGen C1866176, MONDO:0011151, OMIM 601813.
Bone mineral density quantitative trait locus 1 (BMND1). Identifiers: MedGen C1866079, OMIM 601884.
Worth disease. Also called: ENDOSTEAL HYPEROSTOSIS, AUTOSOMAL DOMINANT; OSTEOSCLEROSIS, AUTOSOMAL DOMINANT; Autosomal dominant osteosclerosis, Worth type. Identifiers: Orphanet 2790, MedGen C0432273, MONDO:0007764, OMIM 144750.
Osteoporosis with pseudoglioma (OPPG). Also called: osteoporosis-pseudoglioma syndrome. Identifiers: Orphanet 2788, MedGen C0432252, MONDO:0009820, OMIM 259770.
Polycystic liver disease 4 with or without kidney cysts. Identifiers: MedGen C4693479, MONDO:0044327, OMIM 617875.
Autosomal dominant osteopetrosis 1 (OPTA1). Also called: OSTEOPETROSIS, AUTOSOMAL DOMINANT, TYPE I. Identifiers: Orphanet 2783, MedGen C1843330, MONDO:0011877, OMIM 607634.

Submissions (2):

Labcorp Genetics (formerly Invitae), Labcorp
Classification: Uncertain significance. Last evaluated: 2024-04-05. Review status: criteria provided, single submitter. Criteria: Invitae Variant Classification Sherloc (09022015). Collection method: clinical testing. Allele origin: germline.
Comment: This sequence change replaces proline, which is neutral and non-polar, with glutamine, which is neutral and polar, at codon 546 of the LRP5 protein (p.Pro546Gln). This variant is not present in population databases (gnomAD no frequency). This variant has not been reported in the literature in individuals affected with LRP5-related conditions. ClinVar contains an entry for this variant (Variation ID: 1408780). Advanced modeling of protein sequence and biophysical properties (such as structural, functional, and spatial information, amino acid conservation, physicochemical variation, residue mobility, and thermodynamic stability) has been performed at Invitae for this missense variant, however the output from this modeling did not meet the statistical confidence thresholds required to predict the impact of this variant on LRP5 protein function. In summary, the available evidence is currently insufficient to determine the role of this variant in disease. Therefore, it has been classified as a Variant of Uncertain Significance.

Fulgent Genetics
Classification: Uncertain significance for Worth disease; Osteoporosis with pseudoglioma; Exudative vitreoretinopathy 4; Bone mineral density quantitative trait locus 1; Autosomal dominant osteopetrosis 1; Polycystic liver disease 4 with or without kidney cysts. Last evaluated: 2024-02-03. Review status: criteria provided, single submitter. Criteria: ACMG Guidelines, 2015. Collection method: clinical testing. Allele origin: germline.